The following is an entry in ClinVar:

NM_004453.4(ETFDH):c.1810del (p.Val604fs)

Gene: ETFDH (electron transfer flavoprotein dehydrogenase; plus strand). Cytogenetic location: 4q32.1.
Variant type: Deletion.
Coding change: c.1810del on transcript NM_004453.4 (MANE Select); coding-DNA position 1810, one base deleted (G; older notation c.1810delG).
Protein change: p.Val604fs; shifts the reading frame from valine 604.
Molecular consequence: frameshift variant.
Genome position (GRCh38, 1-based): chr4:158,708,483, G deleted; the last of 3 consecutive G bases (chr4:158,708,481-158,708,483); deleting any one gives the same sequence. VCF-style (leftmost placement, unchanged base first): chr4-158708480-TG-T. GRCh37 (hg19) VCF-style: chr4-159629632-TG-T.
Other names: c.1669del, p.Val557fs (NM_001281737.2); c.1627del, p.Val543fs (NM_001281738.1); short protein forms V543fs, V557fs, V604fs.
Identifiers: ClinVar variation 4815349 (VCV004815349.1).

ClinVar aggregate classification (germline): Likely pathogenic (1 of 4 stars; one submission).

Conditions:
Glutaric acidemia type 2C.

Submission:

Natera, Inc.
Classification: Likely pathogenic for Glutaric acidemia type 2C. Last evaluated: 2025-09-12. Review status: criteria provided, single submitter. Criteria: Natera Variant Classification Schema (03/2026). Collection method: clinical testing. Allele origin: germline.
Comment: The c.1810delG variant in ETFDH is a frameshift variant predicted to elongate the protein beyond the termination codon. This variant is expected to result in nonsense mediated decay, truncation, or a dysfunctional protein product. This variant is rare in the general population with a frequency below the threshold expected for the associated phenotype(s). Given the available evidence, this variant is classified as Likely Pathogenic.